The following is an entry in ClinVar:

NM_001868.4(CPA1):c.1236G>T (p.Glu412Asp)

Gene: CPA1 (carboxypeptidase A1; plus strand). Cytogenetic location: 7q32.2.
Variant type: single nucleotide variant.
Coding change: c.1236G>T on transcript NM_001868.4 (MANE Select); coding-DNA position 1236, G replaced by T.
Protein change: p.Glu412Asp; replaces glutamic acid 412 with aspartic acid.
Molecular consequence: missense variant.
Genome position (GRCh38, 1-based): chr7:130,387,987, G>T. VCF-style: chr7-130387987-G-T. GRCh37 (hg19) VCF-style: chr7-130027828-G-T.
Other names: short protein forms E412D.
Identifiers: ClinVar variation 3835747 (VCV003835747.1).

ClinVar aggregate classification (germline): Uncertain significance (1 of 4 stars; one submission).

Conditions:
Hereditary pancreatitis (PCTT). Also called: PRSS1-Related Hereditary Pancreatitis; Hereditary chronic pancreatitis. Identifiers: Orphanet 676, MedGen C0238339, MONDO:0008185, OMIM 167800.

Submission:

Ambry Genetics
Classification: Uncertain significance for Hereditary pancreatitis. Last evaluated: 2024-12-17. Review status: criteria provided, single submitter. Criteria: Ambry Variant Classification Scheme 2023. Collection method: clinical testing. Allele origin: germline.
Comment: The p.E412D variant (also known as c.1236G>T), located in coding exon 10 of the CPA1 gene, results from a G to T substitution at nucleotide position 1236. The glutamic acid at codon 412 is replaced by aspartic acid, an amino acid with highly similar properties. This amino acid position is conserved. In addition, this alteration is predicted to be tolerated by in silico analysis. Based on the available evidence, the clinical significance of this variant remains unclear.